The following is an entry in ClinVar:

NM_001267550.2(TTN):c.34841C>A (p.Ala11614Glu)

Gene: TTN (titin; minus strand). Cytogenetic location: 2q31.2.
Variant type: single nucleotide variant.
Coding change: c.34841C>A on transcript NM_001267550.2 (MANE Select); coding-DNA position 34841, C replaced by A.
Protein change: p.Ala11614Glu; replaces alanine 11614 with glutamic acid.
Molecular consequence: missense variant. On other transcripts: intron variant (3).
Genome position (GRCh38, 1-based): chr2:178,672,649, G>T on the plus strand (C>A on the coding strand, the complement: TTN is on the minus strand). VCF-style: chr2-178672649-G-T. GRCh37 (hg19) VCF-style: chr2-179537376-G-T.
Other names: c.33719C>A, p.Ala11240Glu (NM_001256850.1); c.30938C>A, p.Ala10313Glu (NM_133378.4); c.13283-30332C>A (NM_003319.4); c.13859-30332C>A (NM_133437.4); c.13658-30332C>A (NM_133432.3); c.34841C>A (NM_001267550.1); short protein forms A11240E, A11614E, A10313E.
Identifiers: ClinVar variation 507216 (VCV000507216.2), dbSNP rs1553810486, ClinGen allele CA349520205.

ClinVar aggregate classification (germline): Uncertain significance (1 of 4 stars; one submission).

Submission:

GeneDx
Classification: Uncertain significance. Last evaluated: 2026-09-22. Review status: criteria provided, single submitter. Criteria: GeneDx Variant Classification Process June 2021. Collection method: clinical testing. Allele origin: germline.
Comment: Not observed at significant frequency in large population cohorts (gnomAD); Missense variant in a gene in which most reported pathogenic variants are truncating/loss of function; Has not been previously published as pathogenic or benign to our knowledge